The following is an entry in ClinVar:

ClinVar aggregate classification (germline): Likely benign. Review status: criteria provided, multiple submitters, no conflicts (2 of 4 stars). 2 submissions from 2 submitters: Likely benign (2). Last evaluated 2025-12-18.

Conditions:
Methylmalonic acidemia with homocystinuria, type cblJ (MAHCJ). Also called: METHYLMALONIC ACIDURIA AND HOMOCYSTINURIA, cblJ TYPE. Identifiers: Orphanet 369955, MedGen C3553915, MONDO:0013925, OMIM 614857.

Allele frequency attached by ClinVar (database versions not stated): gnomAD exomes 0.00003; ExAC 0.00005; gnomAD 0.00005; TOPMed 0.00007; ESP Exome Variant Server 0.00015.
gnomAD v4.1: 46 of 1,613,986 alleles (0.0029%); highest among the groups gnomAD compares: Middle Eastern, 0.099%; no homozygotes.

Submissions (2):

Labcorp Genetics (formerly Invitae), Labcorp
Classification: Likely benign for Methylmalonic acidemia with homocystinuria, type cblJ. Last evaluated: 2025-12-18. Review status: criteria provided, single submitter. Criteria: Invitae Variant Classification Sherloc (09022015). Collection method: clinical testing. Allele origin: germline.

CeGaT Center for Human Genetics Tuebingen
Classification: Likely benign. Last evaluated: 2023-10-01. Review status: criteria provided, single submitter. Criteria: CeGaT Center For Human Genetics Tuebingen Variant Classification Criteria Version 2. Collection method: clinical testing. Allele origin: germline. Affected: yes. Observed: 1 variant allele.
Comment: ABCD4: BP4, BP7

NM_005050.4(ABCD4):c.816C>T (p.Ile272=)

Gene: ABCD4 (ATP binding cassette subfamily D member 4; minus strand). Cytogenetic location: 14q24.3.
Variant type: single nucleotide variant.
Coding change: c.816C>T on transcript NM_005050.4 (MANE Select); coding-DNA position 816, C replaced by T.
Protein change: p.Ile272=; no amino-acid change (isoleucine 272 retained).
Molecular consequence: synonymous variant. On other transcripts: non-coding transcript variant (10).
Genome position (GRCh38, 1-based): chr14:74,292,868, G>A on the plus strand (C>T on the coding strand, the complement: ABCD4 is on the minus strand). VCF-style: chr14-74292868-G-A. GRCh37 (hg19) VCF-style: chr14-74759571-G-A.
Other names: c.690C>T, p.Ile230= (NM_001353591.2, NM_001353592.2); c.555C>T, p.Ile185= (NM_001353593.2); c.504C>T, p.Ile168= (NM_001353594.2); c.402C>T, p.Ile134= (NM_001353595.2, NM_001353596.2); c.351C>T, p.Ile117= (NM_001353597.2); c.339C>T, p.Ile113= (NM_001353598.2, NM_001353599.2, NM_001353600.2 and 2 more transcripts); c.27C>T, p.Val9= (NM_001353602.2, NM_001353603.2, NM_001353604.2 and 6 more transcripts); c.687C>T, p.Ile229= (NM_020323.1); and 1 more.
Identifiers: ClinVar variation 2151626 (VCV002151626.28), dbSNP rs146255863, ClinGen allele CA7267037.